The following is an entry in ClinVar:

ClinVar aggregate classification (germline): Benign. Review status: criteria provided, multiple submitters, no conflicts (2 of 4 stars). 4 submissions from 4 submitters: Benign (3). 1 of the submissions does not count toward it. Last evaluated 2018-01-13.

Conditions:
Tyrosinemia type I (TYRSN1). Also called: Tyrosinemia type 1; Fumarylacetoacetase deficiency; Deficiency of fumarylacetoacetase; FAH DEFICIENCY; HEPATORENAL TYROSINEMIA. Identifiers: Orphanet 882, MedGen C0268490, MONDO:0010161, OMIM 276700. Disease mechanism: loss of function.

Allele frequency attached by ClinVar (database versions not stated): 1000 Genomes Project 0.00300; 1000 Genomes Project 30x 0.00344; TOPMed 0.00911; gnomAD 0.01124 and 0.01180; gnomAD exomes 0.01126 and 0.01685; ExAC 0.01208; ESP Exome Variant Server 0.01376.
gnomAD v4.1: 25,702 of 1,601,178 alleles (1.6%); highest among the groups gnomAD compares: Non-Finnish European, 2%; 280 homozygotes.

Submissions (4):

Illumina Laboratory Services, Illumina
Classification: Benign for Tyrosinemia type I. Last evaluated: 2018-01-13. Review status: criteria provided, single submitter. Criteria: ICSL Variant Classification Criteria 13 December 2019. Collection method: clinical testing. Allele origin: germline.
Comment: This variant was observed in the ICSL laboratory as part of a predisposition screen in an ostensibly healthy population. It had not been previously curated by ICSL or reported in the Human Gene Mutation Database (HGMD: prior to June 1st, 2018), and was therefore a candidate for classification through an automated scoring system. Utilizing variant allele frequency, disease prevalence and penetrance estimates, and inheritance mode, an automated score was calculated to assess if this variant is too frequent to cause the disease. Based on the score and internal cut-off values, a variant classified as benign is not then subjected to further curation. The score for this variant resulted in a classification of benign for this disease.

GeneDx
Classification: Benign. Last evaluated: 2016-08-16. Review status: criteria provided, single submitter. Criteria: GeneDx Variant Classification (06012015). Collection method: clinical testing. Allele origin: germline. Affected: yes.
Comment: This variant is considered likely benign or benign based on one or more of the following criteria: it is a conservative change, it occurs at a poorly conserved position in the protein, it is predicted to be benign by multiple in silico algorithms, and/or has population frequency not consistent with disease.

Breakthrough Genomics
Classification: Benign. Review status: criteria provided, single submitter. Criteria: ACMG Guidelines, 2015. Collection method: not provided. Allele origin: germline. Inheritance: Autosomal recessive inheritance. Affected: yes.

Natera, Inc.
Classification: Benign for Tyrosinemia type I. Last evaluated: 2020-09-16. Review status: no assertion criteria provided. Collection method: clinical testing. Allele origin: germline. Not counted in ClinVar's aggregate classification.

NM_000137.4(FAH):c.-34C>T

Gene: FAH (fumarylacetoacetate hydrolase; plus strand). Cytogenetic location: 15q25.1.
Variant type: single nucleotide variant.
Coding change: c.-34C>T on transcript NM_000137.4 (MANE Select); 34 bases upstream of the start codon, C replaced by T.
Molecular consequence: 5 prime UTR variant. On other transcripts: intron variant (2).
Genome position (GRCh38, 1-based): chr15:80,153,021, C>T. VCF-style: chr15-80153021-C-T. GRCh37 (hg19) VCF-style: chr15-80445363-C-T.
Other names: c.-29-5C>T (NM_001374377.1, NM_001374380.1).
Identifiers: ClinVar variation 317200 (VCV000317200.7), dbSNP rs142522569, ClinGen allele CA7690960.